The following is an entry in ClinVar:

ClinVar aggregate classification (germline): Uncertain significance (0 of 4 stars; one submission).

Conditions:
NLGN3-related disorder. Also called: NLGN3-related condition.

Submission:

PreventionGenetics, part of Exact Sciences
Classification: Uncertain significance for NLGN3-related condition. Last evaluated: 2024-02-01. Review status: no assertion criteria provided. Collection method: clinical testing. Allele origin: germline.
Comment: The NLGN3 c.253C>G variant is predicted to result in the amino acid substitution p.Leu85Val. To our knowledge, this variant has not been reported in the literature or in a large population database, indicating this variant is rare. At this time, the clinical significance of this variant is uncertain due to the absence of conclusive functional and genetic evidence.

NM_181303.2(NLGN3):c.253C>G (p.Leu85Val)

Gene: NLGN3 (neuroligin 3; plus strand). Cytogenetic location: Xq13.1.
Variant type: single nucleotide variant.
Coding change: c.253C>G on transcript NM_181303.2 (MANE Select); coding-DNA position 253, C replaced by G.
Protein change: p.Leu85Val; replaces leucine 85 with valine.
Molecular consequence: missense variant. On other transcripts: intron variant (1).
Genome position (GRCh38, 1-based): chrX:71,148,002, C>G. VCF-style: chrX-71148002-C-G. GRCh37 (hg19) VCF-style: chrX-70367852-C-G.
Other names: c.253C>G, p.Leu85Val (NM_001166660.2, NM_018977.4); c.-38-61C>G (NM_001321276.2); short protein forms L85V.
Identifiers: ClinVar variation 3030662 (VCV003030662.2), dbSNP rs2519735445, ClinGen allele CA413547772.
Genomic context (GRCh38, chrX:71,148,002, plus strand): 5'-CCTGTGGACCAATACCTGGGGGTGCCCTACGCAGCTCCCCCGATCGGCGAGAAACGTTTC[C>G]TGCCCCCTGAACCACCCCCATCCTGGTCGGGCATCCGGAACGCCACACACTTTCCCCCAG-3'
Protein context (NP_851820.1, residues 75-95): AAPPIGEKRF[Leu85Val]PPEPPPSWSG